The following is an entry in ClinVar:

NM_001036.6(RYR3):c.815+6G>A

Gene: RYR3 (ryanodine receptor 3; plus strand). Cytogenetic location: 15q14.
Variant type: single nucleotide variant.
Coding change: c.815+6G>A on transcript NM_001036.6 (MANE Select); 6 bases into the intron after coding-DNA position 815, G replaced by A.
Molecular consequence: intron variant.
Genome position (GRCh38, 1-based): chr15:33,548,210, G>A. VCF-style: chr15-33548210-G-A. GRCh37 (hg19) VCF-style: chr15-33840411-G-A.
Other names: c.815+6G>A (NM_001243996.4).
Identifiers: ClinVar variation 577384 (VCV000577384.8), dbSNP rs991186397, ClinGen allele CA268538797.

ClinVar aggregate classification (germline): Uncertain significance (1 of 4 stars; one submission).

Conditions:
Epileptic encephalopathy. Identifiers: MedGen C0543888, HP:0200134.

Allele frequency attached by ClinVar (database versions not stated): gnomAD exomes 0.00001 and 0.00002; TOPMed 0.00003.
gnomAD v4.1: 8 of 1,555,842 alleles (0.00051%); highest among the groups gnomAD compares: East Asian, 0.009%; no homozygotes.

Submission:

Labcorp Genetics (formerly Invitae), Labcorp
Classification: Uncertain significance for Epileptic encephalopathy. Last evaluated: 2022-12-02. Review status: criteria provided, single submitter. Criteria: Invitae Variant Classification Sherloc (09022015). Collection method: clinical testing. Allele origin: germline.
Comment: In summary, the available evidence is currently insufficient to determine the role of this variant in disease. Therefore, it has been classified as a Variant of Uncertain Significance. Variants that disrupt the consensus splice site are a relatively common cause of aberrant splicing (PMID: 17576681, 9536098). Algorithms developed to predict the effect of sequence changes on RNA splicing suggest that this variant is not likely to affect RNA splicing. ClinVar contains an entry for this variant (Variation ID: 577384). This variant has not been reported in the literature in individuals affected with RYR3-related conditions. This variant is present in population databases (no rsID available, gnomAD 0.03%). This sequence change falls in intron 9 of the RYR3 gene. It does not directly change the encoded amino acid sequence of the RYR3 protein. It affects a nucleotide within the consensus splice site.

Literature cited by the submitters: PubMed 17576681; PubMed 9536098.